The following is an entry in ClinVar:

ClinVar aggregate classification (germline): Uncertain significance (1 of 4 stars; one submission).

Conditions:
Desmin-related myofibrillar myopathy (MFM1). Also called: MYOFIBRILLAR MYOPATHY WITH ARRHYTHMOGENIC RIGHT VENTRICULAR CARDIOMYOPATHY; DESMIN-RELATED MYOPATHY WITH ARRHYTHMOGENIC RIGHT VENTRICULAR CARDIOMYOPATHY; Desminopathy; Desmin related myopathy (former name); Desmin storage myopathy (former name); Myofibrillar myopathy 1. Identifiers: Orphanet 363543, Orphanet 98909, MedGen C1832370, MONDO:0011076, OMIM 601419.

Submission:

Labcorp Genetics (formerly Invitae), Labcorp
Classification: Uncertain significance for Desmin-related myofibrillar myopathy. Last evaluated: 2023-02-18. Review status: criteria provided, single submitter. Criteria: Invitae Variant Classification Sherloc (09022015). Collection method: clinical testing. Allele origin: germline.
Comment: In summary, the available evidence is currently insufficient to determine the role of this variant in disease. Therefore, it has been classified as a Variant of Uncertain Significance. Experimental studies and prediction algorithms are not available or were not evaluated, and the functional significance of this variant is currently unknown. This variant has not been reported in the literature in individuals affected with DES-related conditions. This variant is not present in population databases (gnomAD no frequency). This variant, c.829_831del, results in the deletion of 1 amino acid(s) of the DES protein (p.Ile277del), but otherwise preserves the integrity of the reading frame.

NM_001927.4(DES):c.829_831del (p.Ile277del)

Gene: DES (desmin; plus strand). Cytogenetic location: 2q35.
Variant type: Deletion.
Coding change: c.829_831del on transcript NM_001927.4 (MANE Select); coding-DNA positions 829 to 831, 3 bases deleted (ATC; older notation c.829_831delATC).
Protein change: p.Ile277del; deletes isoleucine 277.
Molecular consequence: inframe deletion. On other transcripts: intron variant (1).
Genome position (GRCh38, 1-based): chr2:219,420,588-219,420,590, ATC deleted; deleting any 3 consecutive bases within chr2:219,420,587-219,420,590 gives the same sequence; the c. name uses the placement nearest the transcript's 3' end. VCF-style (leftmost placement, unchanged base first): chr2-219420586-ACAT-A. GRCh37 (hg19) VCF-style: chr2-220285308-ACAT-A.
Other names: c.826_828del, p.Ile276del (NM_001382708.1); c.829_831del, p.Ile277del (NM_001382710.1, NM_001382711.1, NM_001382712.1); c.559_561del, p.Ile187del (NM_001382713.1); c.735+242_735+244del (NM_001382709.1); short protein forms I187del, I276del, I277del.
Identifiers: ClinVar variation 2944505 (VCV002944505.3), dbSNP rs2545252327, ClinGen allele CA2740096446.